The following is an entry in ClinVar:

ClinVar aggregate classification (germline): Pathogenic. Review status: reviewed by expert panel (3 of 4 stars). 2 submissions from 2 submitters: Pathogenic (1). 1 of the submissions does not count toward it. Last evaluated 2016-09-08.

Conditions:
Hereditary cancer-predisposing syndrome. Also called: Tumor predisposition; Hereditary Cancer Syndrome; Hereditary neoplastic syndrome; Neoplastic Syndromes, Hereditary. Identifiers: Orphanet 140162, MedGen C0027672, MeSH D009386, MONDO:0015356.
Breast-ovarian cancer, familial, susceptibility to, 2 (BROVCA2). Also called: BRCA2 Hereditary Breast and Ovarian Cancer. Identifiers: Orphanet 145, MedGen C2675520, MONDO:0012933, OMIM 612555. Disease mechanism: loss of function.

Submissions (2):

Evidence-based Network for the Interpretation of Germline Mutant Alleles (ENIGMA)
Classification: Pathogenic for Breast-ovarian cancer, familial, susceptibility to, 2. Last evaluated: 2016-09-08. Review status: reviewed by expert panel. Criteria: ENIGMA BRCA1/2 Classification Criteria (2015). Collection method: curation. Allele origin: germline.
Comment: Variant allele predicted to encode a truncated non-functional protein.

Ambry Genetics
Classification: Pathogenic for Hereditary cancer-predisposing syndrome. Last evaluated: 2014-06-13. Review status: criteria provided, single submitter. Criteria: Ambry Variant Classification Scheme 2023. Collection method: clinical testing. Allele origin: germline. Not counted in ClinVar's aggregate classification.
Comment: The c.1552delG pathogenic mutation (also known as 1780delG), located in coding exon 9 of the BRCA2 gene, results from a deletion of one nucleotide at position 1552, causing a translational frameshift with a predicted alternate stop codon. Since frameshifts are typically deleterious in nature, this alteration is interpreted as a disease-causing mutation (ACMG Recommendations for Standards for Interpretation and Reporting of Sequence Variations. Revision 2007. Genet Med. 2008;10:294).

NM_000059.4(BRCA2):c.1552del (p.Ala518fs)

Gene: BRCA2 (BRCA2 DNA repair associated; plus strand). Cytogenetic location: 13q13.1.
Variant type: Deletion.
Coding change: c.1552del on transcript NM_000059.4 (MANE Select); coding-DNA position 1552, one base deleted (G; older notation c.1552delG).
Protein change: p.Ala518fs; shifts the reading frame from alanine 518.
Molecular consequence: frameshift variant.
Genome position (GRCh38, 1-based): chr13:32,333,030, G deleted. VCF-style (leftmost placement, unchanged base first): chr13-32333029-TG-T. GRCh37 (hg19) VCF-style: chr13-32907166-TG-T.
Other names: c.1552delG (NM_000059.3); short protein forms A518fs.
Identifiers: ClinVar variation 185180 (VCV000185180.8), dbSNP rs786201986, ClinGen allele CA012388.
Genomic context (GRCh38, chr13:32,333,029, plus strand): 5'-ATTTCAGGGTATCAAAAAGTCTATATTCAGAATAAGAGAATCACCTAAAGAGACTTTCAA[TG>T]CAAGTTTTTCAGGTCATATGACTGATCCAAACTTTAAAAAAGAAACTGAAGCCTCTGAAA-3'